The following is an entry in ClinVar:

ClinVar aggregate classification (germline): Uncertain significance (0 of 4 stars; one submission).

Allele frequency attached by ClinVar (database versions not stated): TOPMed 0.00019; gnomAD 0.00028 and 0.00029; gnomAD exomes 0.00028 and 0.00035; 1000 Genomes Project 30x 0.00031; ESP Exome Variant Server 0.00038; 1000 Genomes Project 0.00040; ExAC 0.00048.
gnomAD v4.1: 440 of 1,572,836 alleles (0.028%); highest among the groups gnomAD compares: Non-Finnish European, 0.033%; 1 homozygote.

Submission:

Department of Pathology and Laboratory Medicine, Sinai Health System
Classification: Uncertain significance. Review status: no assertion criteria provided. Collection method: clinical testing. Allele origin: unknown. Affected: yes. Study: The Canadian Open Genetics Repository (COGR).
Comment: The MSR1 p.Asp307Tyr variant was not identified in the literature nor was it identified in ClinVar or LOVD 3.0. The variant was identified in dbSNP (ID: rs142534680) and Cosmic (FATHMM prediction score of pathogenic; score 0.83). The variant was identified in control databases in 99 of 269632 chromosomes at a frequency of 0.0003672 (Genome Aggregation Database March 6, 2019, v2.1.1). The variant was observed in the following populations: European (non-Finnish) in 88 of 124888 chromosomes (freq: 0.000705), European (Finnish) in 10 of 24520 chromosomes (freq: 0.000408) and Other in 1 of 6656 chromosomes (freq: 0.00015), but was not observed in the African, Latino, Ashkenazi Jewish, East Asian, or South Asian populations. The p.Asp307 residue is conserved in mammals but not in more distantly related organisms, and four out of five computational analyses (PolyPhen-2, SIFT, AlignGVGD, BLOSUM, MutationTaster) suggest that the variant may impact the protein; however, this information is not predictive enough to assume pathogenicity. The variant occurs outside of the splicing consensus sequence and three of four in silico or computational prediction software programs (SpliceSiteFinder, MaxEntScan, NNSPLICE, GeneSplicer) do not predict a difference in splicing. In summary, based on the above information the clinical significance of this variant cannot be determined with certainty at this time. This variant is classified as a variant of uncertain significance.

NM_138715.3(MSR1):c.919G>T (p.Asp307Tyr)

Gene: MSR1 (macrophage scavenger receptor 1; minus strand). Cytogenetic location: 8p22.
Variant type: single nucleotide variant.
Coding change: c.919G>T on transcript NM_138715.3 (MANE Select); coding-DNA position 919, G replaced by T.
Protein change: p.Asp307Tyr; replaces aspartic acid 307 with tyrosine.
Molecular consequence: missense variant.
Genome position (GRCh38, 1-based): chr8:16,150,291, C>A on the plus strand (G>T on the coding strand, the complement: MSR1 is on the minus strand). VCF-style: chr8-16150291-C-A. GRCh37 (hg19) VCF-style: chr8-16007800-C-A.
Other names: c.973G>T, p.Asp325Tyr (NM_001363744.1); c.919G>T, p.Asp307Tyr (NM_002445.4, NM_138716.3); short protein forms D307Y, D325Y.
Identifiers: ClinVar variation 1049297 (VCV001049297.1), dbSNP rs142534680, ClinGen allele CA4641080.